The following is an entry in ClinVar:

ClinVar aggregate classification (germline): Likely pathogenic (1 of 4 stars; one submission).

Conditions:
Non-acquired combined pituitary hormone deficiency with spine abnormalities (CPHD3). Also called: Winkelman Bethge Pfeiffer syndrome; WBP syndrome; Combined pituitary hormone deficiency type 3. Identifiers: Orphanet 231720, MedGen C3489787, MONDO:0009091, OMIM 221750.

Submission:

Natera, Inc.
Classification: Likely pathogenic for Combined pituitary hormone deficiency type 3. Last evaluated: 2026-01-13. Review status: criteria provided, single submitter. Criteria: Natera Variant Classification Schema (03/2026). Collection method: clinical testing. Allele origin: germline.
Comment: The c.994del variant in LHX3 is a frameshift variant predicted to shift the reading frame beginning at codon 332 and leads to a stop codon 32 codons downstream. This variant is expected to result in nonsense mediated decay, truncation, or a dysfunctional protein product. This variant is rare in the general population with a frequency below the threshold expected for the associated phenotype(s). Given the available evidence, this variant is classified as Likely Pathogenic.

NM_178138.6(LHX3):c.979del (p.Leu327fs)

Gene: LHX3 (LIM homeobox 3; minus strand). Cytogenetic location: 9q34.3.
Variant type: Deletion.
Coding change: c.979del on transcript NM_178138.6 (MANE Select); coding-DNA position 979, one base deleted (C; older notation c.979delC).
Protein change: p.Leu327fs; shifts the reading frame from leucine 327.
Molecular consequence: frameshift variant.
Genome position (GRCh38, 1-based): chr9:136,197,540, G deleted on the plus strand (C on the coding strand, the reverse complement: LHX3 is on the minus strand); the first of 2 consecutive G bases (chr9:136,197,540-136,197,541); deleting either gives the same sequence. VCF-style (leftmost placement, unchanged base first): chr9-136197539-AG-A. GRCh37 (hg19) VCF-style: chr9-139089385-AG-A.
Other names: c.946del, p.Leu316fs (NM_001363746.1); c.994del, p.Leu332fs (NM_014564.5); short protein forms L316fs, L327fs, L332fs.
Identifiers: ClinVar variation 4815729 (VCV004815729.1).